The following is an entry in ClinVar:

ClinVar aggregate classification (germline): Uncertain significance. Review status: criteria provided, multiple submitters, no conflicts (2 of 4 stars). 2 submissions from 2 submitters: Uncertain significance (2). Last evaluated 2025-06-10.

Conditions:
Emery-Dreifuss muscular dystrophy 5, autosomal dominant (EDMD5). Also called: EMERY-DREIFUSS MUSCULAR DYSTROPHY 5. Identifiers: Orphanet 261, MedGen C2751805, MONDO:0013072, OMIM 612999.

Submissions (2):

Ambry Genetics
Classification: Uncertain significance. Last evaluated: 2025-06-10. Review status: criteria provided, single submitter. Criteria: Ambry Variant Classification Scheme 2023. Collection method: clinical testing. Allele origin: germline.

Labcorp Genetics (formerly Invitae), Labcorp
Classification: Uncertain significance for Emery-Dreifuss muscular dystrophy 5, autosomal dominant. Last evaluated: 2023-02-26. Review status: criteria provided, single submitter. Criteria: Invitae Variant Classification Sherloc (09022015). Collection method: clinical testing. Allele origin: germline.
Comment: This variant has not been reported in the literature in individuals affected with SYNE2-related conditions. An algorithm developed to predict the effect of missense changes on protein structure and function (PolyPhen-2) suggests that this variant is likely to be disruptive. In summary, the available evidence is currently insufficient to determine the role of this variant in disease. Therefore, it has been classified as a Variant of Uncertain Significance. This variant is not present in population databases (gnomAD no frequency). This sequence change replaces leucine, which is neutral and non-polar, with phenylalanine, which is neutral and non-polar, at codon 5551 of the SYNE2 protein (p.Leu5551Phe).

NM_182914.3(SYNE2):c.16653G>T (p.Leu5551Phe)

Gene: SYNE2 (spectrin repeat containing nuclear envelope protein 2; plus strand). Cytogenetic location: 14q23.2.
Variant type: single nucleotide variant.
Coding change: c.16653G>T on transcript NM_182914.3 (MANE Select); coding-DNA position 16653, G replaced by T.
Protein change: p.Leu5551Phe; replaces leucine 5551 with phenylalanine.
Molecular consequence: missense variant.
Genome position (GRCh38, 1-based): chr14:64,167,280, G>T. VCF-style: chr14-64167280-G-T. GRCh37 (hg19) VCF-style: chr14-64633998-G-T.
Other names: c.16653G>T, p.Leu5551Phe (NM_015180.6); c.16653G>T (NM_182914.2); short protein forms L5551F.
Identifiers: ClinVar variation 2741716 (VCV002741716.4), dbSNP rs2549589458, ClinGen allele CA389965410.
Genomic context (GRCh38, chr14:64,167,280, plus strand): 5'-TTTTTAAAAATAGAATCATGTGCTGGCACTGACAGCCCAATCACCTGATATTGAACATTT[G>T]AATGAAGTGAGCCTCAAGCTCCCACTTAGTGACGTAGCTGTGAAGACGTTACAAAATATG-3'
Protein context (NP_878918.2, residues 5541-5561): LTAQSPDIEH[Leu5551Phe]NEVSLKLPLS